The following is an entry in ClinVar:

NM_000260.4(MYO7A):c.4304C>A (p.Ala1435Asp)

Gene: MYO7A (myosin VIIA; plus strand). Cytogenetic location: 11q13.5.
Variant type: single nucleotide variant.
Coding change: c.4304C>A on transcript NM_000260.4 (MANE Select); coding-DNA position 4304, C replaced by A.
Protein change: p.Ala1435Asp; replaces alanine 1435 with aspartic acid.
Molecular consequence: missense variant.
Genome position (GRCh38, 1-based): chr11:77,194,505, C>A. VCF-style: chr11-77194505-C-A. GRCh37 (hg19) VCF-style: chr11-76905550-C-A.
Other names: c.4304C>A, p.Ala1435Asp (NM_001127180.2); c.4271C>A, p.Ala1424Asp (NM_001369365.1); short protein forms A1424D, A1435D.
Identifiers: ClinVar variation 1695803 (VCV001695803.2), dbSNP rs2135620689, ClinGen allele CA381949395.

ClinVar aggregate classification (germline): Uncertain significance (1 of 4 stars; one submission).

Submission:

GeneDx
Classification: Uncertain significance. Last evaluated: 2022-01-11. Review status: criteria provided, single submitter. Criteria: GeneDx Variant Classification Process June 2021. Collection method: clinical testing. Allele origin: germline. Affected: yes.
Comment: Not observed at significant frequency in large population cohorts (gnomAD); In silico analysis supports that this missense variant has a deleterious effect on protein structure/function; Has not been previously published as pathogenic or benign to our knowledge